The following is an entry in ClinVar:

ClinVar aggregate classification (germline): Likely benign (1 of 4 stars; one submission).

Allele frequency attached by ClinVar (database versions not stated): gnomAD exomes 0.00001; ExAC 0.00002; TOPMed below 0.00001.

Submission:

GeneDx
Classification: Likely benign. Last evaluated: 2018-06-20. Review status: criteria provided, single submitter. Criteria: GeneDx Variant Classification (06012015). Collection method: clinical testing. Allele origin: germline. Affected: yes.
Comment: This variant is considered likely benign or benign based on one or more of the following criteria: it is a conservative change, it occurs at a poorly conserved position in the protein, it is predicted to be benign by multiple in silico algorithms, and/or has population frequency not consistent with disease.

NM_001164508.2(NEB):c.21715G>A (p.Ala7239Thr)

Genes: RIF1 (replication timing regulatory factor 1; plus strand), NEB (nebulin; minus strand). Cytogenetic location: 2q23.3.
Variant type: single nucleotide variant.
Coding change: c.21715G>A on transcript NM_001164508.2 (MANE Select); coding-DNA position 21715, G replaced by A.
Protein change: p.Ala7239Thr; replaces alanine 7239 with threonine.
Molecular consequence: missense variant.
Genome position (GRCh38, 1-based): chr2:151,529,230, C>T on the plus strand (G>A on the coding strand, the complement: NEB is on the minus strand). VCF-style: chr2-151529230-C-T. GRCh37 (hg19) VCF-style: chr2-152385744-C-T.
Other names: c.21715G>A, p.Ala7239Thr (NM_001164507.2); c.21820G>A, p.Ala7274Thr (NM_001271208.2); c.16612G>A, p.Ala5538Thr (NM_004543.5); short protein forms A7239T, A7274T, A5538T.
Identifiers: ClinVar variation 673830 (VCV000673830.1), dbSNP rs752957835, ClinGen allele CA1906900.
Genomic context (GRCh38, chr2:151,529,230, plus strand): 5'-TAAATCCCCCACCATGCTTGGGGAAGTTTCTGGAACTTACATTGGTGTTGACTTTGTAGG[C>T]GTCCTTGGCTGCTTTGATATGAACAGCATCTGGCTCAATGGTGCAGTTGGATTTATTTCT-3'
Protein context (NP_001157980.2, residues 7229-7249): DAVHIKAAKD[Ala7239Thr]YKVNTNLDYK